The following is an entry in ClinVar:

ClinVar aggregate classification (germline): Benign. Review status: criteria provided, multiple submitters, no conflicts (2 of 4 stars). 4 submissions from 2 submitters: Benign (4). Last evaluated 2018-01-12.

Conditions:
Primary erythromelalgia. Also called: SCN9A Erythromelalgia (SCN9A-EM); primary erythermalgia. Identifiers: Orphanet 306577, Orphanet 90026, MedGen C0014805, MONDO:0007571, OMIM 133020.
Paroxysmal extreme pain disorder (PEXPD). Also called: PAIN, SUBMANDIBULAR, OCULAR, AND RECTAL, WITH FLUSHING; RECTAL PAIN, FAMILIAL; SCN9A Paroxysmal Extreme Pain Disorder (SCN9A-PEPD). Identifiers: Orphanet 46348, MedGen C1833661, MONDO:0008179, OMIM 167400.
Channelopathy-associated congenital insensitivity to pain, autosomal recessive. Also called: Insensitivity to pain, channelopathy-associated; ASYMBOLIA FOR PAIN; CONGENITAL ANALGESIA, AUTOSOMAL RECESSIVE. Identifiers: Orphanet 88642, Orphanet 970, MedGen C1855739, MONDO:0009459, OMIM 243000.

Allele frequency attached by ClinVar (database versions not stated): 1000 Genomes Project 0.04673; 1000 Genomes Project 30x 0.04700; TOPMed 0.06802; gnomAD 0.07141 and 0.07204.

Submissions (4):

Illumina Laboratory Services, Illumina
Classification: Benign for Paroxysmal extreme pain disorder. Last evaluated: 2018-01-12. Review status: criteria provided, single submitter. Criteria: ICSL Variant Classification Criteria 13 December 2019. Collection method: clinical testing. Allele origin: germline.
Comment: This variant was observed in the ICSL laboratory as part of a predisposition screen in an ostensibly healthy population. It had not been previously curated by ICSL or reported in the Human Gene Mutation Database (HGMD: prior to June 1st, 2018), and was therefore a candidate for classification through an automated scoring system. Utilizing variant allele frequency, disease prevalence and penetrance estimates, and inheritance mode, an automated score was calculated to assess if this variant is too frequent to cause the disease. Based on the score and internal cut-off values, a variant classified as benign is not then subjected to further curation. The score for this variant resulted in a classification of benign for this disease.

Illumina Laboratory Services, Illumina
Classification: Benign for Channelopathy-associated congenital insensitivity to pain, autosomal recessive. Last evaluated: 2018-01-12. Review status: criteria provided, single submitter. Criteria: ICSL Variant Classification Criteria 13 December 2019. Collection method: clinical testing. Allele origin: germline.
Comment: the same text as in the submission from Illumina Laboratory Services, Illumina above.

Illumina Laboratory Services, Illumina
Classification: Benign for Primary erythromelalgia. Last evaluated: 2018-01-12. Review status: criteria provided, single submitter. Criteria: ICSL Variant Classification Criteria 13 December 2019. Collection method: clinical testing. Allele origin: germline.
Comment: the same text as in the submission from Illumina Laboratory Services, Illumina above.

Breakthrough Genomics
Classification: Benign. Review status: criteria provided, single submitter. Criteria: ACMG Guidelines, 2015. Collection method: not provided. Allele origin: germline. Inheritance: Autosomal recessive inheritance. Affected: yes.

NM_001365536.1(SCN9A):c.*2146G>C

Genes: SCN1A-AS1 (SCN1A and SCN9A antisense RNA 1; plus strand), SCN9A (sodium voltage-gated channel alpha subunit 9; minus strand). Cytogenetic location: 2q24.3.
Variant type: single nucleotide variant.
Coding change: c.*2146G>C on transcript NM_001365536.1 (MANE Select); 2146 bases downstream of the stop codon, G replaced by C.
Molecular consequence: 3 prime UTR variant.
Genome position (GRCh38, 1-based): chr2:166,196,526, C>G on the plus strand (G>C on the coding strand, the complement: SCN9A is on the minus strand). VCF-style: chr2-166196526-C-G. GRCh37 (hg19) VCF-style: chr2-167053036-C-G.
Other names: c.*2146G>C (NM_002977.4).
Identifiers: ClinVar variation 331921 (VCV000331921.7), dbSNP rs1062844, ClinGen allele CA10612509.